The following is an entry in ClinVar:

ClinVar aggregate classification (germline): Uncertain significance. Review status: criteria provided, multiple submitters, no conflicts (2 of 4 stars). 2 submissions from 2 submitters: Uncertain significance (2). Last evaluated 2024-05-08.

Allele frequency attached by ClinVar (database versions not stated): ExAC 0.00002; gnomAD 0.00003 and 0.00004; gnomAD exomes 0.00003 and 0.00013; TOPMed 0.00003; ESP Exome Variant Server 0.00015.
gnomAD v4.1: 191 of 1,613,710 alleles (0.012%); highest among the groups gnomAD compares: Non-Finnish European, 0.016%; no homozygotes.

Submissions (2):

ARUP Laboratories, Molecular Genetics and Genomics, ARUP Laboratories
Classification: Uncertain significance. Last evaluated: 2024-05-08. Review status: criteria provided, single submitter. Criteria: ARUP Molecular Germline Variant Investigation Process 2024. Collection method: clinical testing. Allele origin: germline.
Comment: The VWF c.4103T>C; p.Ile1368Thr variant (rs199675425, ClinVar variation ID: 310064) is reported in the literature in an individual with suspected atypical hemolytic uremic syndrome (Connaughton 2023). This variant is found in the non-Finnish European population with an allele frequency of 0.003% (8/282,404 alleles) in the Genome Aggregation Database (v2.1.1). Computational analyses predict that this variant is deleterious (REVEL: 0.744). Due to limited information, the clinical significance of this variant is uncertain at this time. References: Connaughton DM et al. Genotypic analysis of a large cohort of patients with suspected atypical hemolytic uremic syndrome. J Mol Med (Berl). 2023 Aug;101(8):1029-1040. PMID: 37466676.

Blueprint Genetics
Classification: Uncertain significance. Last evaluated: 2021-12-20. Review status: criteria provided, single submitter. Criteria: ACMG Guidelines, 2015. Collection method: clinical testing. Allele origin: germline.

NM_000552.5(VWF):c.4103T>C (p.Ile1368Thr)

Gene: VWF (von Willebrand factor; minus strand). Cytogenetic location: 12p13.31.
Variant type: single nucleotide variant.
Coding change: c.4103T>C on transcript NM_000552.5 (MANE Select); coding-DNA position 4103, T replaced by C.
Protein change: p.Ile1368Thr; replaces isoleucine 1368 with threonine.
Molecular consequence: missense variant.
Genome position (GRCh38, 1-based): chr12:6,019,315, A>G on the plus strand (T>C on the coding strand, the complement: VWF is on the minus strand). VCF-style: chr12-6019315-A-G. GRCh37 (hg19) VCF-style: chr12-6128481-A-G.
Other names: short protein forms I1368T.
Identifiers: ClinVar variation 310064 (VCV000310064.7), dbSNP rs199675425, ClinGen allele CA6402601.
Genomic context (GRCh38, chr12:6,019,315, plus strand): 5'-TGGCTGGCCATCAGGAGCAGGGTGATGCGGGAGGCTTCAGGGCGGTCGATCTTGCTGAAG[A>G]TTTGGAACAGTGTGTATTTCAAGACCTCGCTGGTGGAGGCCACCTGGCTGCCCGCATACT-3'
Protein context (NP_000543.3, residues 1358-1378): SEVLKYTLFQ[Ile1368Thr]FSKIDRPEAS